The following is an entry in ClinVar:

ClinVar aggregate classification (germline): Uncertain significance (1 of 4 stars; one submission).

Conditions:
Inborn genetic diseases. Identifiers: MedGen C0950123, MeSH D030342.

Submission:

Ambry Genetics
Classification: Uncertain significance for Inborn genetic diseases. Last evaluated: 2025-07-18. Review status: criteria provided, single submitter. Criteria: Ambry Variant Classification Scheme 2023. Collection method: clinical testing. Allele origin: germline.
Comment: The p.A739T variant (also known as c.2215G>A), located in coding exon 17 of the BUB1B gene, results from a G to A substitution at nucleotide position 2215. The alanine at codon 739 is replaced by threonine, an amino acid with similar properties. This amino acid position is conserved. In addition, this alteration is predicted to be tolerated by in silico analysis. Since supporting evidence is limited at this time, the clinical significance of this alteration remains unclear.

NM_001211.6(BUB1B):c.2215G>A (p.Ala739Thr)

Gene: BUB1B (BUB1 mitotic checkpoint serine/threonine kinase B; plus strand). Cytogenetic location: 15q15.1.
Variant type: single nucleotide variant.
Coding change: c.2215G>A on transcript NM_001211.6 (MANE Select); coding-DNA position 2215, G replaced by A.
Protein change: p.Ala739Thr; replaces alanine 739 with threonine.
Molecular consequence: missense variant.
Genome position (GRCh38, 1-based): chr15:40,209,706, G>A. VCF-style: chr15-40209706-G-A. GRCh37 (hg19) VCF-style: chr15-40501907-G-A.
Other names: short protein forms A739T.
Identifiers: ClinVar variation 2450832 (VCV002450832.3), dbSNP rs2037685683, ClinGen allele CA391694403.
Genomic context (GRCh38, chr15:40,209,706, plus strand): 5'-CAGTCACCATGGTGTTCACAGTATCGCAGACAGCTACTGAAGTCCCTACCAGAGTTAAGT[G>A]CCTCTGCAGAGTTGTGTATAGAAGACAGACCAATGCCTAAGTTGGAAATTGAGAAGGAAA-3'
Protein context (NP_001202.5, residues 729-749): QLLKSLPELS[Ala739Thr]SAELCIEDRP